The following is an entry in ClinVar:

NM_003998.4(NFKB1):c.2027C>T (p.Ala676Val)

Gene: NFKB1 (nuclear factor kappa B subunit 1; plus strand). Cytogenetic location: 4q24.
Variant type: single nucleotide variant.
Coding change: c.2027C>T on transcript NM_003998.4 (MANE Select); coding-DNA position 2027, C replaced by T.
Protein change: p.Ala676Val; replaces alanine 676 with valine.
Molecular consequence: missense variant.
Genome position (GRCh38, 1-based): chr4:102,607,222, C>T. VCF-style: chr4-102607222-C-T. GRCh37 (hg19) VCF-style: chr4-103528379-C-T.
Other names: c.2024C>T, p.Ala675Val (NM_001165412.2, NM_001319226.2, NM_001382627.1); c.2027C>T, p.Ala676Val (NM_001382625.1, NM_001382626.1); c.1985C>T, p.Ala662Val (NM_001382628.1); short protein forms A676V, A662V, A675V.
Identifiers: ClinVar variation 1029786 (VCV001029786.1), dbSNP rs1727845506, ClinGen allele CA357752426.

ClinVar aggregate classification (germline): Uncertain significance (1 of 4 stars; one submission).

Conditions:
Immunodeficiency, common variable, 12 (CVID12). Also called: IMMUNODEFICIENCY, COMMON VARIABLE, 12, WITH AUTOIMMUNITY; NFKB1 DEFICIENCY. Identifiers: Orphanet 1572, Orphanet 696874, MedGen C4225277, MONDO:0014697, OMIM 616576.

Submission:

Baylor Genetics
Classification: Uncertain significance for Immunodeficiency, common variable, 12. Last evaluated: 2020-05-05. Review status: criteria provided, single submitter. Criteria: ACMG Guidelines, 2015. Collection method: clinical testing. Allele origin: unknown. Affected: yes.
Comment: This variant was determined to be of uncertain significance according to ACMG Guidelines, 2015 [PMID:25741868].